The following is an entry in ClinVar:

NM_000179.3(MSH6):c.3707C>T (p.Ala1236Val)

Gene: MSH6 (mutS homolog 6; plus strand). Cytogenetic location: 2p16.3.
Variant type: single nucleotide variant.
Coding change: c.3707C>T on transcript NM_000179.3 (MANE Select); coding-DNA position 3707, C replaced by T.
Protein change: p.Ala1236Val; replaces alanine 1236 with valine.
Molecular consequence: missense variant.
Genome position (GRCh38, 1-based): chr2:47,806,264, C>T. VCF-style: chr2-47806264-C-T. GRCh37 (hg19) VCF-style: chr2-48033403-C-T.
Other names: c.3317C>T, p.Ala1106Val (NM_001281492.2); c.2801C>T, p.Ala934Val (NM_001281493.2, NM_001281494.2); short protein forms A1106V, A1236V, A934V.
Identifiers: ClinVar variation 1692262 (VCV001692262.2), dbSNP rs2104540584, ClinGen allele CA346760992.

ClinVar aggregate classification (germline): Uncertain significance. Review status: criteria provided, multiple submitters, no conflicts (2 of 4 stars). 2 submissions from 2 submitters: Uncertain significance (2). Last evaluated 2023-10-06.

Conditions:
Hereditary cancer-predisposing syndrome. Also called: Hereditary Cancer Syndrome; Hereditary neoplastic syndrome; Neoplastic Syndromes, Hereditary; Tumor predisposition. Identifiers: Orphanet 140162, MedGen C0027672, MeSH D009386, MONDO:0015356.

Submissions (2):

Ambry Genetics
Classification: Uncertain significance for Hereditary cancer-predisposing syndrome. Last evaluated: 2023-10-06. Review status: criteria provided, single submitter. Criteria: Ambry Variant Classification Scheme 2023. Collection method: clinical testing. Allele origin: germline.
Comment: The p.A1236V variant (also known as c.3707C>T), located in coding exon 8 of the MSH6 gene, results from a C to T substitution at nucleotide position 3707. The alanine at codon 1236 is replaced by valine, an amino acid with similar properties. This amino acid position is well conserved in available vertebrate species. In addition, the in silico prediction for this alteration is inconclusive. Since supporting evidence is limited at this time, the clinical significance of this alteration remains unclear.

Sema4
Classification: Uncertain significance for Hereditary cancer-predisposing syndrome. Last evaluated: 2022-02-15. Review status: criteria provided, single submitter. Criteria: Sema4 Curation Guidelines. Collection method: curation. Allele origin: germline.
Comment: The MSH6 c.3707C>T (p.A1236V) variant has not been reported in the literature to our knowledge. This variant is not reported in the population database Genome Aggregation Database (PMID: 32461654). The variant has not been reported in ClinVar. Functional studies have not been performed, and in silico predictions of the variant's effect on protein function are inconclusive. The evidence is insufficient to meet ACMG/AMP criteria for classifying the variant as benign or pathogenic. Thus, the clinical significance of this variant is currently uncertain.